The following is an entry in ClinVar:

NM_001129.5(AEBP1):c.2327C>T (p.Ala776Val)

Gene: AEBP1 (AE binding protein 1; plus strand). Cytogenetic location: 7p13.
Variant type: single nucleotide variant.
Coding change: c.2327C>T on transcript NM_001129.5 (MANE Select); coding-DNA position 2327, C replaced by T.
Protein change: p.Ala776Val; replaces alanine 776 with valine.
Molecular consequence: missense variant.
Genome position (GRCh38, 1-based): chr7:44,112,667, C>T. VCF-style: chr7-44112667-C-T. GRCh37 (hg19) VCF-style: chr7-44152266-C-T.
Other names: p.Ala776Val; short protein forms A776V.
Identifiers: ClinVar variation 1329815 (VCV001329815.35), dbSNP rs144799697, ClinGen allele CA4238177.
Genomic context (GRCh38, chr7:44,112,667, plus strand): 5'-TCGTGCTGGGAGCAAATCTGAACGGCGGCGAGCGGCTAGTATCCTACCCCTACGATATGG[C>T]CCGCACGCCTACCCAGGAGCAGCTGCTGGCCGCAGCCATGGCAGCAGCCCGGGGGGAGGA-3'
Protein context (NP_001120.3, residues 766-786): ERLVSYPYDM[Ala776Val]RTPTQEQLLA

ClinVar aggregate classification (germline): Likely benign. Review status: criteria provided, multiple submitters, no conflicts (2 of 4 stars). 7 submissions from 7 submitters: Likely benign (6). 1 of the submissions does not count toward it. Last evaluated 2026-08-01.

Conditions:
AEBP1-related disorder. Also called: AEBP1-related condition.

Allele frequency attached by ClinVar (database versions not stated): ExAC 0.00158; ESP Exome Variant Server 0.00177; gnomAD exomes 0.00208 and 0.00157; 1000 Genomes Project 0.00040; 1000 Genomes Project 30x 0.00047; gnomAD 0.00142 and 0.00149; TOPMed 0.00154.
gnomAD v4.1: 3,272 of 1,613,262 alleles (0.2%); highest among the groups gnomAD compares: Middle Eastern, 0.25%; 7 homozygotes.

Submissions (7):

CeGaT Center for Human Genetics Tuebingen
Classification: Likely benign. Last evaluated: 2026-08-01. Review status: criteria provided, single submitter. Criteria: CeGaT Center For Human Genetics Tuebingen Variant Classification Criteria Version 2. Collection method: clinical testing. Allele origin: germline. Affected: yes. Observed: 4 variant alleles.
Comment: AEBP1: BS2

Labcorp Genetics (formerly Invitae), Labcorp
Classification: Likely benign. Last evaluated: 2026-02-01. Review status: criteria provided, single submitter. Criteria: Invitae Variant Classification Sherloc (09022015). Collection method: clinical testing. Allele origin: germline.

Women's Health and Genetics/Laboratory Corporation of America, LabCorp
Classification: Likely benign. Last evaluated: 2025-09-02. Review status: criteria provided, single submitter. Criteria: LabCorp Variant Classification Summary - May 2015. Collection method: clinical testing. Allele origin: germline.
Comment: Variant summary: AEBP1 c.2327C>T (p.Ala776Val) results in a non-conservative amino acid change in the encoded protein sequence. Algorithms developed to predict the effect of missense changes on protein structure and function are either unavailable or do not agree on the potential impact of this missense change. The variant allele was found at a frequency of 0.0016 in 249840 control chromosomes in the gnomAD database, including 2 homozygotes. The observed variant frequency exceeds the estimated maximal expected allele frequency for disease-causing variants in AEBP1. To our knowledge, no occurrence of c.2327C>T in individuals affected with AEBP1-related conditions and no experimental evidence demonstrating its impact on protein function have been reported. ClinVar contains an entry for this variant (Variation ID: 1329815). Based on the evidence outlined above, the variant was classified as likely benign.

Mayo Clinic Laboratories, Mayo Clinic
Classification: Likely benign. Last evaluated: 2025-06-16. Review status: criteria provided, single submitter. Criteria: ACMG Guidelines, 2015. Collection method: clinical testing. Allele origin: germline. Observed: 17 variant alleles.
Comment: BS1, BP4

Blueprint Genetics
Classification: Likely benign. Last evaluated: 2024-11-21. Review status: criteria provided, single submitter. Criteria: ACMG Guidelines, 2015. Collection method: clinical testing. Allele origin: germline.

GeneDx
Classification: Likely benign. Last evaluated: 2021-06-23. Review status: criteria provided, single submitter. Criteria: GeneDx Variant Classification Process June 2021. Collection method: clinical testing. Allele origin: germline. Affected: yes.
Comment: This variant is associated with the following publications: (PMID: 22821744)

PreventionGenetics, part of Exact Sciences
Classification: Likely benign for AEBP1-related condition. Last evaluated: 2022-02-03. Review status: no assertion criteria provided. Collection method: clinical testing. Allele origin: germline. Not counted in ClinVar's aggregate classification.
Comment: This variant is classified as likely benign based on ACMG/AMP sequence variant interpretation guidelines (Richards et al. 2015 PMID: 25741868, with internal and published modifications).